The following is an entry in ClinVar:

ClinVar aggregate classification (germline): Likely benign (1 of 4 stars; one submission).

gnomAD v4.1: 6 of 1,613,798 alleles (0.00037%); highest among the groups gnomAD compares: South Asian, 0.0011%; no homozygotes.

Submission:

Laboratory for Molecular Medicine, Mass General Brigham Personalized Medicine
Classification: Likely benign. Last evaluated: 2018-01-28. Review status: criteria provided, single submitter. Criteria: LMM Criteria. Collection method: clinical testing. Allele origin: germline. Observed: 1 variant allele.
Comment: p.Ser1292Ser in exon 29 of MYH9: This variant is not expected to have clinical s ignificance because it does not alter an amino acid residue and is not located w ithin the splice consensus sequence. The variant is listed in ClinVar (Variation ID 258747). ACMG/AMP criteria applied: BP4; BP7.

NM_002473.6(MYH9):c.3876C>A (p.Ser1292=)

Gene: MYH9 (myosin heavy chain 9; minus strand). Cytogenetic location: 22q12.3.
Variant type: single nucleotide variant.
Coding change: c.3876C>A on transcript NM_002473.6 (MANE Select); coding-DNA position 3876, C replaced by A.
Protein change: p.Ser1292=; no amino-acid change (serine 1292 retained).
Molecular consequence: synonymous variant.
Genome position (GRCh38, 1-based): chr22:36,293,825, G>T on the plus strand (C>A on the coding strand, the complement: MYH9 is on the minus strand). VCF-style: chr22-36293825-G-T. GRCh37 (hg19) VCF-style: chr22-36689871-G-T.
Identifiers: ClinVar variation 506247 (VCV000506247.4), dbSNP rs747334129, ClinGen allele CA514473641.